The following is an entry in ClinVar:

ClinVar aggregate classification (germline): Pathogenic (1 of 4 stars; one submission).

Conditions:
Epidermodysplasia verruciformis. Identifiers: Orphanet 302, MedGen C0014522, MONDO:0009176.

gnomAD v4.1: 4 of 1,551,966 alleles (0.00026%); highest among the groups gnomAD compares: Non-Finnish European, 0.00035%; no homozygotes.

Submission:

Labcorp Genetics (formerly Invitae), Labcorp
Classification: Pathogenic for Epidermodysplasia verruciformis. Last evaluated: 2019-10-07. Review status: criteria provided, single submitter. Criteria: Invitae Variant Classification Sherloc (09022015). Collection method: clinical testing. Allele origin: germline.
Comment: For these reasons, this variant has been classified as Pathogenic. Loss-of-function variants in TMC6 are known to be pathogenic (PMID: 15042430, 17139267). This variant has not been reported in the literature in individuals with TMC6-related conditions. This variant is not present in population databases (ExAC no frequency). This sequence change creates a premature translational stop signal (p.Tyr102*) in the TMC6 gene. It is expected to result in an absent or disrupted protein product.

Literature cited by the submitters: PubMed 15042430; PubMed 17139267.

NM_001127198.5(TMC6):c.306C>A (p.Tyr102Ter)

Gene: TMC6 (transmembrane channel like 6; minus strand). Cytogenetic location: 17q25.3.
Variant type: single nucleotide variant.
Coding change: c.306C>A on transcript NM_001127198.5 (MANE Select); coding-DNA position 306, C replaced by A.
Protein change: p.Tyr102Ter; replaces tyrosine 102 with a stop codon.
Molecular consequence: nonsense.
Genome position (GRCh38, 1-based): chr17:78,125,850, G>T on the plus strand (C>A on the coding strand, the complement: TMC6 is on the minus strand). VCF-style: chr17-78125850-G-T. GRCh37 (hg19) VCF-style: chr17-76121931-G-T.
Other names: c.306C>A, p.Tyr102Ter (NM_001321185.1, NM_001374593.1, NM_001374594.1 and 4 more transcripts); short protein forms Y102*.
Identifiers: ClinVar variation 933595 (VCV000933595.8), dbSNP rs371786754, ClinGen allele CA401235375.